The following continues an entry in ClinVar:

NM_000435.3(NOTCH3):c.3691C>T (p.Arg1231Cys)

Gene: NOTCH3. ClinVar aggregate classification (germline): Conflicting classifications of pathogenicity. Pathogenic (3); Likely pathogenic (3); Uncertain significance (11); Benign (1).

Submissions 20 to 21 of 21:

Department of Pathology and Laboratory Medicine, Sinai Health System
Classification: Uncertain significance. Review status: no assertion criteria provided. Collection method: clinical testing. Allele origin: unknown. Affected: yes. Study: The Canadian Open Genetics Repository (COGR). Not counted in ClinVar's aggregate classification.
Comment: The NOTCH3 p.(Arg1231Cys) variant was identified in 3 of 206 proband chromosomes (frequency: 0.015) from individuals or families with Cerebral autosomal dominant arteriopathy with subcortical infarcts and leukoencephalopathy (CADASIL) or a strong suspicion of CADASIL and was not identified in 200 control chromosomes from healthy individuals (Testi_2012_PMID: 22664156; Joutel_1997_PMID: 9388399). The variant was also identified in dbSNP (ID: rs201680145), Clinvitae, Cosmic, MutDB, LOVD 3.0 and ClinVar (reported as pathogenic for CADASIL by UCLA Clinical Genomics Center and Genomic Research Center, Shahid Beheshti University of Medical Sciences however reported as a VUS by GeneDX and Athena Diagnostics Inc). The variant was identified in control databases in 225 of 281770 chromosomes (3 homozygous) at a frequency of 0.000799 increasing the likelihood this could be a low frequency benign variant (Genome Aggregation Database Feb 27, 2017). The variant was observed in the following populations: South Asian in 164 of 30614 chromosomes (freq: 0.005357), Latino in 22 of 35400 chromosomes (freq: 0.000622), Other in 4 of 7200 chromosomes (freq: 0.000556), European (non-Finnish) in 34 of 128480 chromosomes (freq: 0.000265) and East Asian in 1 of 19924 chromosomes (freq: 0.00005), while the variant was not observed in the African, Ashkenazi Jewish, and European (Finnish) populations. The R1231C variant was recently identified in the homozygous state in several members from a large family with CADASIL (Abou Al-Shaar_2016_PMID: 27423596). These homozygous individuals had phenotypic features that were within the spectrum of CADASIL, though on the slightly severe end compared to their affected family members with R1231C in the heterozygous state (Abou Al-Shaar_2016_ PMID: 27423596). The p.Arg1231 residue is conserved in mammals but not in more distantly related organisms and computational analyses (PolyPhen-2, SIFT, AlignGVGD, BLOSUM, MutationTaster) suggest that the variant may impact the protein; however, this information is not predictive enough to assume pathogenicity. In summary, based on the above information the clinical significance of this variant cannot be determined with certainty at this time. This variant is classified as a variant of uncertain significance.

Laboratory of Diagnostic Genome Analysis, Leiden University Medical Center (LUMC)
Classification: Pathogenic. Review status: no assertion criteria provided. Collection method: clinical testing. Allele origin: germline. Affected: yes. Study: VKGL Data-share Consensus. Not counted in ClinVar's aggregate classification.

Literature cited by the submitters: PubMed 15834039 (cited by Mayo Clinic Laboratories, Mayo Clinic); PubMed 19006080 (cited by 3 submitters); PubMed 19174371 (cited by Mayo Clinic Laboratories, Mayo Clinic and Athena Diagnostics); PubMed 19259619 (cited by Mayo Clinic Laboratories, Mayo Clinic); PubMed 20167921 (cited by Mayo Clinic Laboratories, Mayo Clinic); PubMed 20857162 (cited by Mayo Clinic Laboratories, Mayo Clinic and Athena Diagnostics); PubMed 21616505 (cited by Mayo Clinic Laboratories, Mayo Clinic and Athena Diagnostics); PubMed 22153900 (cited by Mayo Clinic Laboratories, Mayo Clinic); PubMed 22664156 (cited by 3 submitters); PubMed 22878905 (cited by Mayo Clinic Laboratories, Mayo Clinic and Athena Diagnostics); PubMed 23639391 (cited by Mayo Clinic Laboratories, Mayo Clinic and Labcorp Genetics (formerly Invitae), Labcorp); PubMed 25344745 (cited by 3 submitters); PubMed 25623805 (cited by Mayo Clinic Laboratories, Mayo Clinic and Athena Diagnostics); PubMed 27293347 (cited by Mayo Clinic Laboratories, Mayo Clinic and Athena Diagnostics); PubMed 27423596 (cited by 3 submitters); PubMed 27844030 (cited by Mayo Clinic Laboratories, Mayo Clinic and Athena Diagnostics); PubMed 29449082 (cited by Mayo Clinic Laboratories, Mayo Clinic and Athena Diagnostics); PubMed 30212743 (cited by 3 submitters); PubMed 30311053 (cited by Mayo Clinic Laboratories, Mayo Clinic and Athena Diagnostics); PubMed 30338453 (cited by Mayo Clinic Laboratories, Mayo Clinic and Athena Diagnostics); PubMed 31554780 (cited by Mayo Clinic Laboratories, Mayo Clinic); PubMed 31915071 (cited by 3 submitters); PubMed 32128266 (cited by 3 submitters); PubMed 32348626 (cited by Mayo Clinic Laboratories, Mayo Clinic); PubMed 32573853 (cited by Mayo Clinic Laboratories, Mayo Clinic); PubMed 32732295 (cited by Mayo Clinic Laboratories, Mayo Clinic and Athena Diagnostics); PubMed 33161844 (cited by Mayo Clinic Laboratories, Mayo Clinic); PubMed 33161845 (cited by Mayo Clinic Laboratories, Mayo Clinic); PubMed 33712516 (cited by 3 submitters); PubMed 35226365 (cited by Mayo Clinic Laboratories, Mayo Clinic and Athena Diagnostics); PubMed 35822697 (cited by Mayo Clinic Laboratories, Mayo Clinic); PubMed 36300346 (cited by Mayo Clinic Laboratories, Mayo Clinic and Athena Diagnostics); PubMed 36535904 (cited by Mayo Clinic Laboratories, Mayo Clinic and Athena Diagnostics); PubMed 36606642 (cited by Mayo Clinic Laboratories, Mayo Clinic); PubMed 37479695 (cited by Mayo Clinic Laboratories, Mayo Clinic and Athena Diagnostics); PubMed 37688971 (cited by Mayo Clinic Laboratories, Mayo Clinic); PubMed 37873835 (cited by Mayo Clinic Laboratories, Mayo Clinic); PubMed 37970308 (cited by Mayo Clinic Laboratories, Mayo Clinic); PubMed 38246720 (cited by Mayo Clinic Laboratories, Mayo Clinic and Athena Diagnostics); PubMed 38790158 (cited by Mayo Clinic Laboratories, Mayo Clinic); PubMed 39082428 (cited by Mayo Clinic Laboratories, Mayo Clinic and Athena Diagnostics); PubMed 39191170 (cited by Mayo Clinic Laboratories, Mayo Clinic and Athena Diagnostics); PubMed 39271666 (cited by Mayo Clinic Laboratories, Mayo Clinic and Athena Diagnostics); PubMed 39504961 (cited by Mayo Clinic Laboratories, Mayo Clinic); PubMed 9388399 (cited by 4 submitters); PubMed 12395806 (cited by Labcorp Genetics (formerly Invitae), Labcorp and Athena Diagnostics); PubMed 15229130 (cited by 3 submitters); PubMed 25326637 (cited by Labcorp Genetics (formerly Invitae), Labcorp and Athena Diagnostics); PubMed 33013620 (cited by Labcorp Genetics (formerly Invitae), Labcorp and Athena Diagnostics); PubMed 38713890 (cited by Athena Diagnostics); PubMed 38374194 (cited by Athena Diagnostics); PubMed 38281098 (cited by Athena Diagnostics); PubMed 19180562 (cited by Athena Diagnostics); PubMed 36580209 (cited by Athena Diagnostics); PubMed 36401683 (cited by Athena Diagnostics); PubMed 34374989 (cited by Athena Diagnostics); PubMed 36157006 (cited by Athena Diagnostics).